The following is an entry in ClinVar:

NM_001048174.2(MUTYH):c.1070C>T (p.Ala357Val)

Gene: MUTYH (mutY DNA glycosylase; minus strand). Cytogenetic location: 1p34.1.
Variant type: single nucleotide variant.
Coding change: c.1070C>T on transcript NM_001048174.2 (MANE Select); coding-DNA position 1070, C replaced by T.
Protein change: p.Ala357Val; replaces alanine 357 with valine.
Molecular consequence: missense variant. On other transcripts: non-coding transcript variant (7).
Genome position (GRCh38, 1-based): chr1:45,331,693, G>A on the plus strand (C>T on the coding strand, the complement: MUTYH is on the minus strand). VCF-style: chr1-45331693-G-A. GRCh37 (hg19) VCF-style: chr1-45797365-G-A.
Other names: c.725C>T, p.Ala242Val (NM_001407082.1, NM_001350650.2, NM_001350651.2); c.1112C>T, p.Ala371Val (NM_001407083.1, NM_001407085.1); c.1073C>T, p.Ala358Val (NM_001407086.1, NM_001407071.1, NM_001048172.2 and 1 more transcripts); c.1070C>T, p.Ala357Val (NM_001293195.2, NM_001407070.1, NM_001407072.1 and 6 more transcripts); c.794C>T, p.Ala265Val (NM_001293196.2, NM_001407091.1, NM_001293192.2); c.1103C>T, p.Ala368Val (NM_001407069.1, NM_001293191.2, NM_001407077.1); c.1091C>T, p.Ala364Val (NM_001407087.1); c.1145C>T, p.Ala382Val (NM_012222.3); and 5 more; short protein forms A265V, A343V, A358V, A382V, A242V, A368V, A385V, A344V.
Identifiers: ClinVar variation 4113062 (VCV004113062.1).

ClinVar aggregate classification (germline): Uncertain significance (1 of 4 stars; one submission).

Conditions:
Hereditary cancer-predisposing syndrome. Also called: Tumor predisposition; Neoplastic Syndromes, Hereditary; Hereditary neoplastic syndrome; Hereditary Cancer Syndrome. Identifiers: Orphanet 140162, MedGen C0027672, MeSH D009386, MONDO:0015356.

Submission:

Ambry Genetics
Classification: Uncertain significance for Hereditary cancer-predisposing syndrome. Last evaluated: 2025-08-27. Review status: criteria provided, single submitter. Criteria: Ambry Variant Classification Scheme 2023. Collection method: clinical testing. Allele origin: germline.
Comment: The p.A385V variant (also known as c.1154C>T), located in coding exon 12 of the MUTYH gene, results from a C to T substitution at nucleotide position 1154. The alanine at codon 385 is replaced by valine, an amino acid with similar properties. This amino acid position is conserved. In addition, this alteration is predicted to be tolerated by in silico analysis. Based on the available evidence, the clinical significance of this variant remains unclear.